The following is an entry in ClinVar:

ClinVar aggregate classification (germline): Benign (1 of 4 stars; one submission).

Allele frequency attached by ClinVar (database versions not stated): TOPMed 0.11745; 1000 Genomes Project 30x 0.14397; 1000 Genomes Project 0.14657.
gnomAD v4.1: 87,466 of 671,394 alleles (13%); highest among the groups gnomAD compares: South Asian, 27%; 6,777 homozygotes.

Submission:

GeneDx
Classification: Benign. Last evaluated: 2018-06-20. Review status: criteria provided, single submitter. Criteria: GeneDx Variant Classification (06012015). Collection method: clinical testing. Allele origin: germline. Affected: yes.
Comment: This variant is considered likely benign or benign based on one or more of the following criteria: it is a conservative change, it occurs at a poorly conserved position in the protein, it is predicted to be benign by multiple in silico algorithms, and/or has population frequency not consistent with disease.

NM_003073.5(SMARCB1):c.795+153A>G

Gene: SMARCB1 (SWI/SNF related, matrix associated, actin dependent regulator of chromatin, subfamily b, member 1; plus strand). Cytogenetic location: 22q11.23.
Variant type: single nucleotide variant.
Coding change: c.795+153A>G on transcript NM_003073.5 (MANE Select); 153 bases into the intron after coding-DNA position 795, A replaced by G.
Molecular consequence: intron variant.
Genome position (GRCh38, 1-based): chr22:23,817,089, A>G. VCF-style: chr22-23817089-A-G. GRCh37 (hg19) VCF-style: chr22-24159276-A-G.
Other names: c.849+153A>G (NM_001362877.2); c.822+153A>G (NM_001317946.2); c.768+153A>G (NM_001007468.3).
Identifiers: ClinVar variation 677101 (VCV000677101.1), dbSNP rs2073393, ClinGen allele CA14993580.
Genomic context (GRCh38, chr22:23,817,089, plus strand): 5'-AGCCCGTCTTTGGGTTCCATATCATCTGGAAAGTCATAACACCTGGCTTTGCTCCCTGCA[A>G]TCCCCCAGGAAGGGCATAGGCTGAGTTCTCATAGTAAAGTGTTATATTCCGGACACATTC-3'